The following is an entry in ClinVar:

NM_000059.4(BRCA2):c.1389_1391del (p.Val465del)

Gene: BRCA2 (BRCA2 DNA repair associated; plus strand). Cytogenetic location: 13q13.1.
Variant type: Deletion.
Coding change: c.1389_1391del on transcript NM_000059.4 (MANE Select); coding-DNA positions 1389 to 1391, 3 bases deleted (AGT; older notation c.1389_1391delAGT).
Protein change: p.Val465del; deletes valine 465.
Molecular consequence: inframe deletion.
Genome position (GRCh38, 1-based): chr13:32,332,867-32,332,869, AGT deleted. VCF-style (leftmost placement, unchanged base first): chr13-32332866-CAGT-C. GRCh37 (hg19) VCF-style: chr13-32907003-CAGT-C.
Other names: c.1389_1391delAGT (NM_000059.3); short protein forms V465del.
Identifiers: ClinVar variation 409457 (VCV000409457.18), dbSNP rs1060502405, ClinGen allele CA16613833.
Genomic context (GRCh38, chr13:32,332,866, plus strand): 5'-AGAATTCTTTGCCACGTATTTCTAGCCTACCAAAATCAGAGAAGCCATTAAATGAGGAAA[CAGT>C]GGTAAATAAGAGAGATGAAGAGCAGCATCTTGAATCTCATACAGACTGCATTCTTGCAGT-3'

ClinVar aggregate classification (germline): Uncertain significance. Review status: criteria provided, multiple submitters, no conflicts (2 of 4 stars). 3 submissions from 3 submitters: Uncertain significance (3). Last evaluated 2025-10-17.

Conditions:
Hereditary cancer-predisposing syndrome. Also called: Tumor predisposition; Hereditary Cancer Syndrome; Hereditary neoplastic syndrome; Neoplastic Syndromes, Hereditary. Identifiers: Orphanet 140162, MedGen C0027672, MeSH D009386, MONDO:0015356.
Hereditary breast ovarian cancer syndrome. Also called: Hereditary breast and ovarian cancer; Hereditary breast and/or ovarian cancer syndrome; BRCA1- and BRCA2-Associated Hereditary Breast and Ovarian Cancer; Hereditary breast and ovarian cancer syndrome; Hereditary breast and ovarian cancer syndrome (HBOC); Breast and ovarian cancer. Identifiers: Orphanet 145, MedGen C0677776, MeSH D061325, MONDO:0003582. Disease mechanism: loss of function.

Submissions (3):

Ambry Genetics
Classification: Uncertain significance for Hereditary cancer-predisposing syndrome. Last evaluated: 2025-10-17. Review status: criteria provided, single submitter. Criteria: Ambry Variant Classification Scheme 2023. Collection method: clinical testing. Allele origin: germline.
Comment: The c.1389_1391delAGT variant (also known as p.V465del) is located in coding exon 9 of the BRCA2 gene. This variant results from an in-frame AGT deletion at nucleotide positions 1389 to 1391. This results in the in-frame deletion of a valine at codon 465. This amino acid position is not well conserved in available vertebrate species. In addition, the in silico prediction for this variant is inconclusive (Choi Y et al. PLoS ONE. 2012; 7(10):e46688). Based on the available evidence, the clinical significance of this variant remains unclear.

Color Diagnostics, LLC DBA Color Health
Classification: Uncertain significance for Hereditary cancer-predisposing syndrome. Last evaluated: 2023-12-30. Review status: criteria provided, single submitter. Criteria: ACMG Guidelines, 2015. Collection method: clinical testing. Allele origin: germline.
Comment: This variant causes an in-frame deletion of 1 amino acid, valine 465, in the BRCA2 protein. To our knowledge, functional studies have not been reported for this variant. This variant has been reported in an individual affected with benign breast disease (PMID: 14973102). This variant has not been identified in the general population by the Genome Aggregation Database (gnomAD). The available evidence is insufficient to determine the role of this variant in disease conclusively. Therefore, this variant is classified as a Variant of Uncertain Significance.

Labcorp Genetics (formerly Invitae), Labcorp
Classification: Uncertain significance for Hereditary breast ovarian cancer syndrome. Last evaluated: 2021-03-27. Review status: criteria provided, single submitter. Criteria: Invitae Variant Classification Sherloc (09022015). Collection method: clinical testing. Allele origin: germline.
Comment: Experimental studies and prediction algorithms are not available for this variant, and the functional significance of the deleted amino acid is currently unknown. This variant has been reported in the literature in an individual with benign breast disease (PMID: 14973102). ClinVar contains an entry for this variant (Variation ID: 409457). This variant is not present in population databases (ExAC no frequency). This sequence change deletes 3 nucleotides from exon 10 of the BRCA2 mRNA (c.1389_1391delAGT). This leads to the deletion of 1 amino acid residue in the BRCA2 protein (p.Val465del) but otherwise preserves the integrity of the reading frame. In summary, this variant is a rare in-frame deletion with uncertain impact on protein function. It has been classified as a Variant of Uncertain Significance.

Literature cited by the submitters: PubMed 14973102 (cited by Color Diagnostics, LLC DBA Color Health and Labcorp Genetics (formerly Invitae), Labcorp).